The following is an entry in ClinVar:

NM_178822.5(IGSF10):c.7840G>A (p.Asp2614Asn)

Gene: IGSF10 (immunoglobulin superfamily member 10; minus strand). Cytogenetic location: 3q25.1.
Variant type: single nucleotide variant.
Coding change: c.7840G>A on transcript NM_178822.5 (MANE Select); coding-DNA position 7840, G replaced by A.
Protein change: p.Asp2614Asn; replaces aspartic acid 2614 with asparagine.
Molecular consequence: missense variant.
Genome position (GRCh38, 1-based): chr3:151,436,721, C>T on the plus strand (G>A on the coding strand, the complement: IGSF10 is on the minus strand). VCF-style: chr3-151436721-C-T. GRCh37 (hg19) VCF-style: chr3-151154509-C-T.
Other names: c.1777G>A, p.Asp593Asn (NM_001178145.3, NM_001178146.3); c.7840G>A, p.Asp2614Asn (NM_001385060.1, NM_001385061.1, NM_001385062.1 and 1 more transcripts); short protein forms D2614N, D593N.
Identifiers: ClinVar variation 708312 (VCV000708312.36), dbSNP rs112889898, ClinGen allele CA2669160.

ClinVar aggregate classification (germline): Benign/Likely benign. Review status: criteria provided, multiple submitters, no conflicts (2 of 4 stars). 5 submissions from 5 submitters: Benign (3); Likely benign (1). 1 of the submissions does not count toward it. Last evaluated 2026-04-01.

Conditions:
IGSF10-related disorder. Also called: IGSF10-related condition.

Allele frequency attached by ClinVar (database versions not stated): TOPMed 0.00344; gnomAD 0.00352 and 0.00421; ESP Exome Variant Server 0.00500; 1000 Genomes Project 0.00659; gnomAD exomes 0.00697; 1000 Genomes Project 30x 0.00750; ExAC 0.00814.
gnomAD v4.1: 9,872 of 1,612,408 alleles (0.61%); highest among the groups gnomAD compares: South Asian, 2.5%; 75 homozygotes.

Submissions (5):

CeGaT Center for Human Genetics Tuebingen
Classification: Benign. Last evaluated: 2026-04-01. Review status: criteria provided, single submitter. Criteria: CeGaT Center For Human Genetics Tuebingen Variant Classification Criteria Version 2. Collection method: clinical testing. Allele origin: germline. Affected: yes. Observed: 10 variant alleles.
Comment: IGSF10: BP4, BS1, BS2

Labcorp Genetics (formerly Invitae), Labcorp
Classification: Benign. Last evaluated: 2026-02-04. Review status: criteria provided, single submitter. Criteria: Invitae Variant Classification Sherloc (09022015). Collection method: clinical testing. Allele origin: germline.

Genomic Medicine Center of Excellence, King Faisal Specialist Hospital and Research Centre
Classification: Likely benign. Last evaluated: 2025-08-18. Review status: criteria provided, single submitter. Criteria: ACMG Guidelines, 2015. Collection method: clinical testing. Allele origin: germline.

Breakthrough Genomics
Classification: Benign. Review status: criteria provided, single submitter. Criteria: ACMG Guidelines, 2015. Collection method: not provided. Allele origin: germline. Inheritance: Unknown mechanism. Affected: yes.

PreventionGenetics, part of Exact Sciences
Classification: Benign for IGSF10-related condition. Last evaluated: 2019-10-14. Review status: no assertion criteria provided. Collection method: clinical testing. Allele origin: germline. Not counted in ClinVar's aggregate classification.
Comment: This variant is classified as benign based on ACMG/AMP sequence variant interpretation guidelines (Richards et al. 2015 PMID: 25741868, with internal and published modifications).